The following is an entry in ClinVar:

ClinVar aggregate classification (germline): Pathogenic (0 of 4 stars; one submission).

Submission:

Quest Diagnostics Nichols Institute San Juan Capistrano
Classification: Pathogenic. Last evaluated: 2020-10-21. Review status: no assertion criteria provided. Collection method: clinical testing. Allele origin: germline.
Comment: The copy number loss of 6p22.2 involves multiple genes, including HFE (OMIM 613609) and HIST1H1E (OMIM 142220), and is expected to cause phenotypic and/or developmental abnormalities. Haploinsufficiency of HIST1H1E is associated with autosomal dominant Rahman syndrome (OMIM 617537), characterized by mild to severe intellectual disability associated with variable somatic overgrowth manifest as increased birth length, height, weight, and/or head circumference. Biallelic pathogenic loss-of-function variants of HFE are associated with autosomal recessive hemochromatosis type 1 (OMIM 235200).

GRCh37/hg19 6p22.2(chr6:26008259-26168230)x1

Genes: H1-1 (H1.1 linker histone, cluster member; minus strand), H1-2 (H1.2 linker histone, cluster member; minus strand), H1-4 (H1.4 linker histone, cluster member; plus strand), H1-6 (H1.6 linker histone, cluster member; minus strand), H2AC4 (H2A clustered histone 4; minus strand) and 11 more. Cytogenetic location: 6p22.2.
Variant type: copy number loss.
Change: copy number 1 (one copy instead of two) of chr6:26,008,259-26,168,230 (160.0 kb, GRCh37 coordinates, 1-based), cytogenetic band 6p22.2.
Identifiers: ClinVar variation 1341201 (VCV001341201.1).